The following is an entry in ClinVar:

ClinVar aggregate classification (germline): Likely pathogenic (1 of 4 stars; one submission).

Conditions:
Spastic paraplegia. Identifiers: MedGen C0037772, HP:0001258.

Submission:

Department of Hematologic Diagnostics and Genetics, Jagiellonian University Hospital in Krakow
Classification: Likely pathogenic for Spastic paraplegia. Last evaluated: 2021-05-25. Review status: criteria provided, single submitter. Criteria: ACMG Guidelines, 2015. Collection method: clinical testing. Allele origin: germline. Inheritance: Autosomal recessive inheritance. Affected: yes. Observed: 1 variant allele, 1 compound heterozygote.
Comment: No publication related to the c.6404delT, p.Ile2135Thrfs*38 variant is available in medical literature. This variant is absent from large population studies. No entry on this variant is present in HGMD or LOVD databases. Mutations which are predicted to create STOP codon in about the same location (exon 34 and the next) lead to symptoms of spastic paraplegia (Stevanin 2007, Martinuzzi 2016).

NM_025137.4(SPG11):c.6404del (p.Ile2135fs)

Gene: SPG11 (SPG11 vesicle trafficking associated, spatacsin; minus strand). Cytogenetic location: 15q21.1.
Variant type: Deletion.
Coding change: c.6404del on transcript NM_025137.4 (MANE Select); coding-DNA position 6404, one base deleted (T; older notation c.6404delT).
Protein change: p.Ile2135fs; shifts the reading frame from isoleucine 2135.
Molecular consequence: frameshift variant.
Genome position (GRCh38, 1-based): chr15:44,570,598, A deleted on the plus strand (T on the coding strand, the reverse complement: SPG11 is on the minus strand). VCF-style (leftmost placement, unchanged base first): chr15-44570597-GA-G. GRCh37 (hg19) VCF-style: chr15-44862795-GA-G.
Other names: SPG11; c.6065del, p.Ile2022fs (NM_001160227.2); short protein forms I2022fs, I2135fs.
Identifiers: ClinVar variation 1120052 (VCV001120052.2), dbSNP rs2140923130, ClinGen allele CA2499222936.